The following is an entry in ClinVar:

NM_004369.4(COL6A3):c.1036G>A (p.Val346Ile)

Gene: COL6A3 (collagen type VI alpha 3 chain; minus strand). Cytogenetic location: 2q37.3.
Variant type: single nucleotide variant.
Coding change: c.1036G>A on transcript NM_004369.4 (MANE Select); coding-DNA position 1036, G replaced by A.
Protein change: p.Val346Ile; replaces valine 346 with isoleucine.
Molecular consequence: missense variant. On other transcripts: intron variant (2).
Genome position (GRCh38, 1-based): chr2:237,387,858, C>T on the plus strand (G>A on the coding strand, the complement: COL6A3 is on the minus strand). VCF-style: chr2-237387858-C-T. GRCh37 (hg19) VCF-style: chr2-238296501-C-T.
Other names: c.418G>A, p.Val140Ile (NM_057165.5, NM_057167.4); c.92-6359G>A (NM_057166.5, NM_057164.5); short protein forms V346I, V140I.
Identifiers: ClinVar variation 3631850 (VCV003631850.2).

ClinVar aggregate classification (germline): Uncertain significance (1 of 4 stars; one submission).

Conditions:
Bethlem myopathy 1A. Also called: Bethlem myopathy 1; MYOPATHY, BENIGN CONGENITAL, WITH CONTRACTURES; Bethlem Muscular Dystrophy. Identifiers: Orphanet 610, MedGen CN029274, MONDO:0024530, OMIM 158810.

gnomAD v4.1: 2 of 1,614,174 alleles (0.00012%); highest among the groups gnomAD compares: East Asian, 0.0022%; no homozygotes.

Submission:

Labcorp Genetics (formerly Invitae), Labcorp
Classification: Uncertain significance for Bethlem myopathy 1A. Last evaluated: 2024-11-17. Review status: criteria provided, single submitter. Criteria: Invitae Variant Classification Sherloc (09022015). Collection method: clinical testing. Allele origin: germline.
Comment: This sequence change replaces valine, which is neutral and non-polar, with isoleucine, which is neutral and non-polar, at codon 346 of the COL6A3 protein (p.Val346Ile). This variant is not present in population databases (gnomAD no frequency). This variant has not been reported in the literature in individuals affected with COL6A3-related conditions. Invitae Evidence Modeling of protein sequence and biophysical properties (such as structural, functional, and spatial information, amino acid conservation, physicochemical variation, residue mobility, and thermodynamic stability) indicates that this missense variant is not expected to disrupt COL6A3 protein function with a negative predictive value of 95%. In summary, the available evidence is currently insufficient to determine the role of this variant in disease. Therefore, it has been classified as a Variant of Uncertain Significance.